The following is an entry in ClinVar:

NM_021098.3(CACNA1H):c.1236C>A (p.Asn412Lys)

Gene: CACNA1H (calcium voltage-gated channel subunit alpha1 H; plus strand). Cytogenetic location: 16p13.3.
Variant type: single nucleotide variant.
Coding change: c.1236C>A on transcript NM_021098.3 (MANE Select); coding-DNA position 1236, C replaced by A.
Protein change: p.Asn412Lys; replaces asparagine 412 with lysine.
Molecular consequence: missense variant.
Genome position (GRCh38, 1-based): chr16:1,201,686, C>A. VCF-style: chr16-1201686-C-A. GRCh37 (hg19) VCF-style: chr16-1251686-C-A.
Other names: c.1236C>A, p.Asn412Lys (NM_001005407.2); short protein forms N412K.
Identifiers: ClinVar variation 3766211 (VCV003766211.1).

ClinVar aggregate classification (germline): Uncertain significance (1 of 4 stars; one submission).

Submission:

GeneDx
Classification: Uncertain significance. Last evaluated: 2024-08-27. Review status: criteria provided, single submitter. Criteria: GeneDx Variant Classification Process June 2021. Collection method: clinical testing. Allele origin: germline. Affected: yes.
Comment: Not observed at significant frequency in large population cohorts (gnomAD); In silico analysis supports that this missense variant has a deleterious effect on protein structure/function; Has not been previously published as pathogenic or benign to our knowledge